The following is an entry in ClinVar:

NM_004393.6(DAG1):c.2205A>C (p.Glu735Asp)

Gene: DAG1 (dystroglycan 1; plus strand). Cytogenetic location: 3p21.31.
Variant type: single nucleotide variant.
Coding change: c.2205A>C on transcript NM_004393.6 (MANE Select); coding-DNA position 2205, A replaced by C.
Protein change: p.Glu735Asp; replaces glutamic acid 735 with aspartic acid.
Molecular consequence: missense variant.
Genome position (GRCh38, 1-based): chr3:49,532,716, A>C. VCF-style: chr3-49532716-A-C. GRCh37 (hg19) VCF-style: chr3-49570149-A-C.
Other names: c.2205A>C, p.Glu735Asp (NM_001165928.4, NM_001177634.3, NM_001177635.3 and 9 more transcripts); short protein forms E735D.
Identifiers: ClinVar variation 1954477 (VCV001954477.5), dbSNP rs1186941977, ClinGen allele CA352797018.
Genomic context (GRCh38, chr3:49,532,716, plus strand): 5'-CCTACAGTTTATCCCTGTGGTACCACCCAGGAGAGTGCCCTCAGAGGCGCCGCCCACAGA[A>C]GTGCCTGACAGGGACCCTGAGAAGAGCAGTGAGGATGATGTCTACCTGCACACAGTCATT-3'
Protein context (NP_004384.5, residues 725-745): RRVPSEAPPT[Glu735Asp]VPDRDPEKSS

ClinVar aggregate classification (germline): Uncertain significance (1 of 4 stars; one submission).

Conditions:
Autosomal recessive limb-girdle muscular dystrophy type 2P. Also called: MUSCULAR DYSTROPHY-DYSTROGLYCANOPATHY, LIMB-GIRDLE, DAG1-RELATED; Limb-Girdle Muscular Dystrophy Type 9C; MUSCULAR DYSTROPHY, LIMB-GIRDLE, TYPE 2P. Identifiers: Orphanet 280333, MedGen C4511963, MONDO:0013440, OMIM 613818.
Muscular dystrophy-dystroglycanopathy (congenital with brain and eye anomalies), type A9. Also called: WALKER-WARBURG SYNDROME OR MUSCLE-EYE BRAIN DISEASE, DAG1-RELATED; Muscular dystrophy-dystroglycanopathy (congenital with brain and eye anomalies), type a, 9. Identifiers: Orphanet 370997, Orphanet 899, MedGen C4225291, MONDO:0014683, OMIM 616538.

Allele frequency attached by ClinVar (database versions not stated): gnomAD 0.00001; TOPMed 0.00001.
gnomAD v4.1: 1 of 1,614,040 alleles (0.000062%); highest among the groups gnomAD compares: Admixed American, 0.0017%; no homozygotes.

Submission:

Labcorp Genetics (formerly Invitae), Labcorp
Classification: Uncertain significance for Autosomal recessive limb-girdle muscular dystrophy type 2P; Muscular dystrophy-dystroglycanopathy (congenital with brain and eye anomalies), type A9. Last evaluated: 2023-08-10. Review status: criteria provided, single submitter. Criteria: Invitae Variant Classification Sherloc (09022015). Collection method: clinical testing. Allele origin: germline.
Comment: In summary, the available evidence is currently insufficient to determine the role of this variant in disease. Therefore, it has been classified as a Variant of Uncertain Significance. Advanced modeling of protein sequence and biophysical properties (such as structural, functional, and spatial information, amino acid conservation, physicochemical variation, residue mobility, and thermodynamic stability) performed at Invitae indicates that this missense variant is not expected to disrupt DAG1 protein function. ClinVar contains an entry for this variant (Variation ID: 1954477). This variant has not been reported in the literature in individuals affected with DAG1-related conditions. This variant is present in population databases (no rsID available, gnomAD 0.003%). This sequence change replaces glutamic acid, which is acidic and polar, with aspartic acid, which is acidic and polar, at codon 735 of the DAG1 protein (p.Glu735Asp).